The following is an entry in ClinVar:

ClinVar aggregate classification (germline): Uncertain significance (1 of 4 stars; one submission).

Submission:

Ambry Genetics
Classification: Uncertain significance. Last evaluated: 2025-12-16. Review status: criteria provided, single submitter. Criteria: Ambry Variant Classification Scheme 2023. Collection method: clinical testing. Allele origin: germline.
Comment: The c.4933C>T (p.R1645W) alteration is located in exon 33 (coding exon 32) of the MYO18A gene. This alteration results from a C to T substitution at nucleotide position 4933, causing the arginine (R) at amino acid position 1645 to be replaced by a tryptophan (W). Based on data from gnomAD, the T allele has an overall frequency of 0.001% (3/247604) total alleles studied. The highest observed frequency was 0.007% (1/15436) of African alleles. Based on insufficient or conflicting evidence, the clinical significance of this alteration remains unclear.

NM_078471.4(MYO18A):c.4933C>T (p.Arg1645Trp)

Gene: MYO18A (myosin XVIIIA; minus strand). Cytogenetic location: 17q11.2.
Variant type: single nucleotide variant.
Coding change: c.4933C>T on transcript NM_078471.4 (MANE Select); coding-DNA position 4933, C replaced by T.
Protein change: p.Arg1645Trp; replaces arginine 1645 with tryptophan.
Molecular consequence: missense variant.
Genome position (GRCh38, 1-based): chr17:29,092,995, G>A on the plus strand (C>T on the coding strand, the complement: MYO18A is on the minus strand). VCF-style: chr17-29092995-G-A. GRCh37 (hg19) VCF-style: chr17-27420013-G-A.
Other names: c.4990C>T, p.Arg1664Trp (NM_001346765.2); c.4969C>T, p.Arg1657Trp (NM_001346766.2); c.4822C>T, p.Arg1608Trp (NM_001346767.2); c.3559C>T, p.Arg1187Trp (NM_001346768.2); c.4933C>T, p.Arg1645Trp (NM_203318.2); short protein forms R1187W, R1608W, R1645W, R1664W, R1657W.
Identifiers: ClinVar variation 4829222 (VCV004829222.1).
Genomic context (GRCh38, chr17:29,092,995, plus strand): 5'-GCAGGGCCTTGGTGCGCTTCAGGTCCTTCCGCAGCCGCTTCTCTGACTCAAAGTCCCGCC[G>A]GTTCACCTGGGTGGGCACCAGCAGTTGGGGTTCTGGGCTCTGCACAGGGCTTCCTCCTAT-3'
Protein context (NP_510880.2, residues 1635-1655): KLATLSDQVN[Arg1645Trp]RDFESEKRLR